The following is an entry in ClinVar:

NM_015346.4(ZFYVE26):c.3932G>A (p.Arg1311His)

Gene: ZFYVE26 (zinc finger FYVE-type containing 26; minus strand). Cytogenetic location: 14q24.1.
Variant type: single nucleotide variant.
Coding change: c.3932G>A on transcript NM_015346.4 (MANE Select); coding-DNA position 3932, G replaced by A.
Protein change: p.Arg1311His; replaces arginine 1311 with histidine.
Molecular consequence: missense variant.
Genome position (GRCh38, 1-based): chr14:67,783,220, C>T on the plus strand (G>A on the coding strand, the complement: ZFYVE26 is on the minus strand). VCF-style: chr14-67783220-C-T. GRCh37 (hg19) VCF-style: chr14-68249937-C-T.
Other names: short protein forms R1311H.
Identifiers: ClinVar variation 887194 (VCV000887194.7), dbSNP rs367970314, ClinGen allele CA7239878.

ClinVar aggregate classification (germline): Uncertain significance. Review status: criteria provided, multiple submitters, no conflicts (2 of 4 stars). 2 submissions from 2 submitters: Uncertain significance (2). Last evaluated 2025-12-16.

Conditions:
Spastic paraplegia. Identifiers: MedGen C0037772, HP:0001258.
Hereditary spastic paraplegia 15 (SPG15). Also called: SPASTIC PARAPLEGIA 15, AUTOSOMAL RECESSIVE; KJELLIN SYNDROME; SPASTIC PARAPLEGIA AND RETINAL DEGENERATION. Identifiers: Orphanet 100996, MedGen C1849128, MONDO:0010044, OMIM 270700.

Allele frequency attached by ClinVar (database versions not stated): gnomAD 0.00002; ExAC 0.00003; TOPMed 0.00003; gnomAD exomes 0.00004 and 0.00006; ESP Exome Variant Server 0.00008.
gnomAD v4.1: 69 of 1,613,440 alleles (0.0043%); highest among the groups gnomAD compares: Admixed American, 0.0067%; no homozygotes.

Submissions (2):

Labcorp Genetics (formerly Invitae), Labcorp
Classification: Uncertain significance for Spastic paraplegia. Last evaluated: 2025-12-16. Review status: criteria provided, single submitter. Criteria: Invitae Variant Classification Sherloc (09022015). Collection method: clinical testing. Allele origin: germline.
Comment: This sequence change replaces arginine, which is basic and polar, with histidine, which is basic and polar, at codon 1311 of the ZFYVE26 protein (p.Arg1311His). This variant is present in population databases (rs367970314, gnomAD 0.01%). This variant has not been reported in the literature in individuals affected with ZFYVE26-related conditions. ClinVar contains an entry for this variant (Variation ID: 887194). An algorithm developed to predict the effect of missense changes on protein structure and function outputs the following: PolyPhen-2: "Benign". The histidine amino acid residue is found in multiple mammalian species, which suggests that this missense change does not adversely affect protein function. In summary, the available evidence is currently insufficient to determine the role of this variant in disease. Therefore, it has been classified as a Variant of Uncertain Significance.

Illumina Laboratory Services, Illumina
Classification: Uncertain significance for Hereditary spastic paraplegia 15. Last evaluated: 2018-01-13. Review status: criteria provided, single submitter. Criteria: ICSL Variant Classification Criteria 13 December 2019. Collection method: clinical testing. Allele origin: germline.